The following is an entry in ClinVar:

ClinVar aggregate classification (germline): Uncertain significance (1 of 4 stars; one submission).

Conditions:
Candidiasis, familial, 9 (CANDF9). Identifiers: Orphanet 1334, MedGen C4225324, MONDO:0014642, OMIM 616445.

Submission:

Labcorp Genetics (formerly Invitae), Labcorp
Classification: Uncertain significance for Candidiasis, familial, 9. Last evaluated: 2022-12-06. Review status: criteria provided, single submitter. Criteria: Invitae Variant Classification Sherloc (09022015). Collection method: clinical testing. Allele origin: germline.
Comment: In summary, the available evidence is currently insufficient to determine the role of this variant in disease. Therefore, it has been classified as a Variant of Uncertain Significance. Algorithms developed to predict the effect of sequence changes on RNA splicing suggest that this variant may create or strengthen a splice site. ClinVar contains an entry for this variant (Variation ID: 1508001). This variant has not been reported in the literature in individuals affected with IL17RC-related conditions. This variant is not present in population databases (gnomAD no frequency). This sequence change falls in intron 16 of the IL17RC gene. It does not directly change the encoded amino acid sequence of the IL17RC protein.

NM_153460.4(IL17RC):c.1388-10G>A

Gene: IL17RC (interleukin 17 receptor C; plus strand). Cytogenetic location: 3p25.3.
Variant type: single nucleotide variant.
Coding change: c.1388-10G>A on transcript NM_153460.4 (MANE Select); 10 bases into the intron before coding-DNA position 1388, G replaced by A.
Molecular consequence: intron variant.
Genome position (GRCh38, 1-based): chr3:9,932,598, G>A. VCF-style: chr3-9932598-G-A. GRCh37 (hg19) VCF-style: chr3-9974282-G-A.
Other names: c.1601-10G>A (NM_153461.4); c.1388-10G>A (NM_001203263.2); c.1337-10G>A (NM_001203264.2); c.1349-10G>A (NM_001367278.1); c.1343-10G>A (NM_032732.6, NM_001367280.1); c.1292-10G>A (NM_001203265.2); c.1268-10G>A (NM_001367279.1).
Identifiers: ClinVar variation 1508001 (VCV001508001.8), dbSNP rs2084849543, ClinGen allele CA2526175531.